The following is an entry in ClinVar:

NM_001861.6(COX4I1):c.243G>A (p.Leu81=)

Gene: COX4I1 (cytochrome c oxidase subunit 4I1; plus strand). Cytogenetic location: 16q24.1.
Variant type: single nucleotide variant.
Coding change: c.243G>A on transcript NM_001861.6 (MANE Select); coding-DNA position 243, G replaced by A.
Protein change: p.Leu81=; no amino-acid change (leucine 81 retained).
Molecular consequence: synonymous variant.
Genome position (GRCh38, 1-based): chr16:85,805,734, G>A. VCF-style: chr16-85805734-G-A. GRCh37 (hg19) VCF-style: chr16-85839340-G-A.
Other names: c.243G>A, p.Leu81= (NM_001318786.3, NM_001318788.2, NM_001318794.2); c.129G>A, p.Leu43= (NM_001318797.3); c.66G>A, p.Leu22= (NM_001318802.2).
Identifiers: ClinVar variation 3031208 (VCV003031208.2), dbSNP rs750829937, ClinGen allele CA8216599.

ClinVar aggregate classification (germline): Likely benign (0 of 4 stars; one submission).

Conditions:
COX4I1-related disorder. Also called: COX4I1-related condition.

Allele frequency attached by ClinVar (database versions not stated): ExAC 0.00001.
gnomAD v4.1: 3 of 1,614,226 alleles (0.00019%); highest among the groups gnomAD compares: East Asian, 0.0067%; no homozygotes.

Submission:

PreventionGenetics, part of Exact Sciences
Classification: Likely benign for COX4I1-related condition. Last evaluated: 2020-12-30. Review status: no assertion criteria provided. Collection method: clinical testing. Allele origin: germline.
Comment: This variant is classified as likely benign based on ACMG/AMP sequence variant interpretation guidelines (Richards et al. 2015 PMID: 25741868, with internal and published modifications).